The following is an entry in ClinVar:

ClinVar aggregate classification (germline): Conflicting classifications of pathogenicity. Review status: criteria provided, conflicting classifications (1 of 4 stars). 4 submissions from 4 submitters: Uncertain significance (2); Likely benign (1). 1 of the submissions does not count toward it. Last evaluated 2025-12-03.

Conditions:
SEMA3E-related disorder. Also called: SEMA3E-related condition.
Hypogonadotropic hypogonadism 7 with or without anosmia (HH7). Also called: GNRHR-Related GnRH Deficiency; HYPOGONADOTROPIC HYPOGONADISM 7 WITHOUT ANOSMIA. Identifiers: Orphanet 432, MedGen C0342384, MONDO:0007794, OMIM 146110.
CHARGE syndrome (CHARGE). Also called: Hittner Hirsch Kreh syndrome; CHARGE ASSOCIATION--COLOBOMA, HEART ANOMALY, CHOANAL ATRESIA, RETARDATION, GENITAL AND EAR ANOMALIES; Coloboma, heart anomaly, choanal atresia, retardation, genital and ear anomalies; CHARGE association; Hall-Hittner syndrome. Identifiers: Orphanet 138, MedGen C0265354, MONDO:0008965.

Allele frequency attached by ClinVar (database versions not stated): gnomAD 0.00010; TOPMed 0.00010; gnomAD exomes 0.00011; ExAC 0.00016; ESP Exome Variant Server 0.00023.
gnomAD v4.1: 164 of 1,613,938 alleles (0.01%); highest among the groups gnomAD compares: Non-Finnish European, 0.01%; no homozygotes.

Submissions (4):

Labcorp Genetics (formerly Invitae), Labcorp
Classification: Uncertain significance for CHARGE syndrome. Last evaluated: 2025-12-03. Review status: criteria provided, single submitter. Criteria: Invitae Variant Classification Sherloc (09022015). Collection method: clinical testing. Allele origin: germline.
Comment: This sequence change replaces glycine, which is neutral and non-polar, with serine, which is neutral and polar, at codon 718 of the SEMA3E protein (p.Gly718Ser). This variant is present in population databases (rs148649507, gnomAD 0.1%), and has an allele count higher than expected for a pathogenic variant. This variant has not been reported in the literature in individuals affected with SEMA3E-related conditions. ClinVar contains an entry for this variant (Variation ID: 459538). An algorithm developed to predict the effect of missense changes on protein structure and function (PolyPhen-2) suggests that this variant is likely to be disruptive. In summary, the available evidence is currently insufficient to determine the role of this variant in disease. Therefore, it has been classified as a Variant of Uncertain Significance.

Department of Pathology and Laboratory Medicine, Sinai Health System
Classification: Uncertain significance for Hypogonadotropic hypogonadism 7 with or without anosmia. Last evaluated: 2021-09-07. Review status: criteria provided, single submitter. Criteria: ACMG Guidelines, 2015. Collection method: research. Allele origin: germline.

GeneDx
Classification: Likely benign. Last evaluated: 2019-02-05. Review status: criteria provided, single submitter. Criteria: GeneDx Variant Classification Process June 2021. Collection method: clinical testing. Allele origin: germline. Affected: yes.

PreventionGenetics, part of Exact Sciences
Classification: Likely benign for SEMA3E-related condition. Last evaluated: 2022-04-19. Review status: no assertion criteria provided. Collection method: clinical testing. Allele origin: germline. Not counted in ClinVar's aggregate classification.
Comment: This variant is classified as likely benign based on ACMG/AMP sequence variant interpretation guidelines (Richards et al. 2015 PMID: 25741868, with internal and published modifications).

NM_012431.3(SEMA3E):c.2152G>A (p.Gly718Ser)

Gene: SEMA3E (semaphorin 3E; minus strand). Cytogenetic location: 7q21.11.
Variant type: single nucleotide variant.
Coding change: c.2152G>A on transcript NM_012431.3 (MANE Select); coding-DNA position 2152, G replaced by A.
Protein change: p.Gly718Ser; replaces glycine 718 with serine.
Molecular consequence: missense variant.
Genome position (GRCh38, 1-based): chr7:83,367,762, C>T on the plus strand (G>A on the coding strand, the complement: SEMA3E is on the minus strand). VCF-style: chr7-83367762-C-T. GRCh37 (hg19) VCF-style: chr7-82997078-C-T.
Other names: c.1972G>A, p.Gly658Ser (NM_001178129.2); short protein forms G718S, G658S.
Identifiers: ClinVar variation 459538 (VCV000459538.13), dbSNP rs148649507, ClinGen allele CA4321816.